The following is an entry in ClinVar:

ClinVar aggregate classification (germline): Uncertain significance. Review status: criteria provided, multiple submitters, no conflicts (2 of 4 stars). 3 submissions from 3 submitters: Uncertain significance (3). Last evaluated 2025-02-27.

Conditions:
Inborn genetic diseases. Identifiers: MedGen C0950123, MeSH D030342.

Allele frequency attached by ClinVar (database versions not stated): gnomAD exomes below 0.00001 and 0.00001; TOPMed below 0.00001.
gnomAD v4.1: 7 of 1,614,206 alleles (0.00043%); highest among the groups gnomAD compares: Non-Finnish European, 0.00059%; no homozygotes.

Submissions (3):

Ambry Genetics
Classification: Uncertain significance for Inborn genetic diseases. Last evaluated: 2025-02-27. Review status: criteria provided, single submitter. Criteria: Ambry Variant Classification Scheme 2023. Collection method: clinical testing. Allele origin: germline.

Labcorp Genetics (formerly Invitae), Labcorp
Classification: Uncertain significance. Last evaluated: 2020-03-17. Review status: criteria provided, single submitter. Criteria: Invitae Variant Classification Sherloc (09022015). Collection method: clinical testing. Allele origin: germline.
Comment: Algorithms developed to predict the effect of missense changes on protein structure and function (SIFT, PolyPhen-2, Align-GVGD) all suggest that this variant is likely to be tolerated, but these predictions have not been confirmed by published functional studies and their clinical significance is uncertain. This variant has not been reported in the literature in individuals with BEST1-related conditions. This variant is not present in population databases (ExAC no frequency). This sequence change replaces methionine with isoleucine at codon 524 of the BEST1 protein (p.Met524Ile). The methionine residue is weakly conserved and there is a small physicochemical difference between methionine and isoleucine. In summary, the available evidence is currently insufficient to determine the role of this variant in disease. Therefore, it has been classified as a Variant of Uncertain Significance.

Blueprint Genetics
Classification: Uncertain significance. Last evaluated: 2019-05-23. Review status: criteria provided, single submitter. Criteria: ACMG Guidelines, 2015. Collection method: clinical testing. Allele origin: germline.

NM_004183.4(BEST1):c.1572G>A (p.Met524Ile)

Gene: BEST1 (bestrophin 1; plus strand). Cytogenetic location: 11q12.3.
Variant type: single nucleotide variant.
Coding change: c.1572G>A on transcript NM_004183.4 (MANE Select); coding-DNA position 1572, G replaced by A.
Protein change: p.Met524Ile; replaces methionine 524 with isoleucine.
Molecular consequence: missense variant. On other transcripts: non-coding transcript variant (1).
Genome position (GRCh38, 1-based): chr11:61,962,726, G>A. VCF-style: chr11-61962726-G-A. GRCh37 (hg19) VCF-style: chr11-61730198-G-A.
Other names: c.1392G>A, p.Met464Ile (NM_001139443.3, NM_001300787.2); c.1311G>A, p.Met437Ile (NM_001300786.2); c.1254G>A, p.Met418Ile (NM_001363591.3); c.*467G>A (NM_001363592.2); c.600G>A, p.Met200Ile (NM_001363593.3); short protein forms M200I, M418I, M437I, M464I, M524I.
Identifiers: ClinVar variation 1024135 (VCV001024135.10), dbSNP rs1278023846, ClinGen allele CA380849675.